The following is an entry in ClinVar:

ClinVar aggregate classification (germline): Likely benign. Review status: criteria provided, multiple submitters, no conflicts (2 of 4 stars). 2 submissions from 2 submitters: Likely benign (2). Last evaluated 2026-06-24.

Conditions:
ACOX1-related disorder. Also called: ACOX1-related disorders; ACOX1-related condition.
Acyl-CoA oxidase deficiency. Also called: Pseudoneonatal adrenoleukodystrophy; Peroxisomal acyl-CoA oxidase deficiency; STRAIGHT-CHAIN ACYL-CoA OXIDASE DEFICIENCY. Identifiers: Orphanet 2971, MedGen C1849678, MONDO:0009919, OMIM 264470. Disease mechanism: loss of function.

Allele frequency attached by ClinVar (database versions not stated): gnomAD exomes below 0.00001 and 0.00001; gnomAD 0.00001; ExAC 0.00002; TOPMed 0.00002.
gnomAD v4.1: 9 of 1,613,998 alleles (0.00056%); highest among the groups gnomAD compares: Middle Eastern, 0.016%; no homozygotes.

Submissions (2):

PreventionGenetics, part of Exact Sciences
Classification: Likely benign for ACOX1-related condition. Last evaluated: 2026-06-24. Review status: criteria provided, single submitter. Criteria: ACMG Guidelines, 2015. Collection method: clinical testing. Allele origin: germline.
Comment: This variant is classified as likely benign based on ACMG/AMP sequence variant interpretation guidelines (Richards et al. 2015 PMID: 25741868, with internal and published modifications).

Labcorp Genetics (formerly Invitae), Labcorp
Classification: Likely benign for Acyl-CoA oxidase deficiency. Last evaluated: 2023-09-10. Review status: criteria provided, single submitter. Criteria: Invitae Variant Classification Sherloc (09022015). Collection method: clinical testing. Allele origin: germline.

NM_004035.7(ACOX1):c.1478+10C>G

Gene: ACOX1 (acyl-CoA oxidase 1; minus strand). Cytogenetic location: 17q25.1.
Variant type: single nucleotide variant.
Coding change: c.1478+10C>G on transcript NM_004035.7 (MANE Select); 10 bases into the intron after coding-DNA position 1478, C replaced by G.
Molecular consequence: intron variant.
Genome position (GRCh38, 1-based): chr17:75,949,708, G>C on the plus strand (C>G on the coding strand, the complement: ACOX1 is on the minus strand). VCF-style: chr17-75949708-G-C. GRCh37 (hg19) VCF-style: chr17-73945789-G-C.
Other names: c.1478+10C>G (NM_007292.6); c.1364+10C>G (NM_001185039.2).
Identifiers: ClinVar variation 765094 (VCV000765094.11), dbSNP rs754006646, ClinGen allele CA8776766.